The following is an entry in ClinVar:

ClinVar aggregate classification (germline): Pathogenic/Likely pathogenic. Review status: criteria provided, multiple submitters, no conflicts (2 of 4 stars). 4 submissions from 4 submitters: Pathogenic (3); Likely pathogenic (1). Last evaluated 2022-09-02.

Conditions:
Bartter disease type 1. Also called: Bartter Syndrome type 1; Bartter syndrome, type 1, antenatal; HYPOKALEMIC ALKALOSIS WITH HYPERCALCIURIA 1, ANTENATAL; HYPERPROSTAGLANDIN E SYNDROME 1. Identifiers: Orphanet 112, Orphanet 620217, MedGen C1866495, MONDO:0100344, OMIM 601678, MONDO:0011127.

Submissions (4):

Labcorp Genetics (formerly Invitae), Labcorp
Classification: Pathogenic. Last evaluated: 2022-09-02. Review status: criteria provided, single submitter. Criteria: Invitae Variant Classification Sherloc (09022015). Collection method: clinical testing. Allele origin: germline.
Comment: For these reasons, this variant has been classified as Pathogenic. ClinVar contains an entry for this variant (Variation ID: 872708). This premature translational stop signal has been observed in individual(s) with Bartter syndrome (PMID: 18391953). This variant is present in population databases (rs758961147, gnomAD 0.003%). This sequence change creates a premature translational stop signal (p.Tyr748Metfs*22) in the SLC12A1 gene. It is expected to result in an absent or disrupted protein product. Loss-of-function variants in SLC12A1 are known to be pathogenic (PMID: 8640224, 9585600, 19096086).

Department of Pathology and Laboratory Medicine, Sinai Health System
Classification: Likely pathogenic for Bartter disease type 1. Last evaluated: 2022-07-20. Review status: criteria provided, single submitter. Criteria: ACMG Guidelines, 2015. Collection method: research. Allele origin: germline.

Fulgent Genetics
Classification: Pathogenic for Bartter disease type 1. Last evaluated: 2022-01-06. Review status: criteria provided, single submitter. Criteria: ACMG Guidelines, 2015. Collection method: clinical testing. Allele origin: unknown.

CeGaT Center for Human Genetics Tuebingen
Classification: Pathogenic. Last evaluated: 2019-07-01. Review status: criteria provided, single submitter. Criteria: CeGaT Center For Human Genetics Tuebingen Variant Classification Criteria Version 2. Collection method: clinical testing. Allele origin: germline. Affected: yes. Observed: 1 variant allele.

Literature cited by the submitters: PubMed 18391953 (cited by Labcorp Genetics (formerly Invitae), Labcorp); PubMed 8640224 (cited by Labcorp Genetics (formerly Invitae), Labcorp); PubMed 9585600 (cited by Labcorp Genetics (formerly Invitae), Labcorp); PubMed 19096086 (cited by Labcorp Genetics (formerly Invitae), Labcorp).

NM_000338.3(SLC12A1):c.2242del (p.Tyr748fs)

Gene: SLC12A1 (solute carrier family 12 member 1; plus strand). Cytogenetic location: 15q21.1.
Variant type: Deletion.
Coding change: c.2242del on transcript NM_000338.3 (MANE Select); coding-DNA position 2242, one base deleted (T; older notation c.2242delT).
Protein change: p.Tyr748fs; shifts the reading frame from tyrosine 748.
Molecular consequence: frameshift variant.
Genome position (GRCh38, 1-based): chr15:48,267,648, T deleted; the last of 5 consecutive T bases (chr15:48,267,644-48,267,648); deleting any one gives the same sequence. VCF-style (leftmost placement, unchanged base first): chr15-48267643-CT-C. GRCh37 (hg19) VCF-style: chr15-48559840-CT-C.
Other names: c.2242del, p.Tyr748fs (NM_001184832.2); short protein forms Y748fs.
Identifiers: ClinVar variation 872708 (VCV000872708.47), dbSNP rs758961147, ClinGen allele CA7547326.
Genomic context (GRCh38, chr15:48,267,643, plus strand): 5'-AGGAGATGAACAGTGGCATGGCGAAAAAACAGGCCTGGCTTATAAAGAACAAAATCAAGG[CT>C]TTTTATGCTGCAGTGGCGGCAGACTGTTTCAGGGATGGTGTCCGAAGTCTTCTTCAGGTA-3'